The following is an entry in ClinVar:

ClinVar aggregate classification (germline): Uncertain significance (1 of 4 stars; one submission).

Submission:

Labcorp Genetics (formerly Invitae), Labcorp
Classification: Uncertain significance. Last evaluated: 2024-11-05. Review status: criteria provided, single submitter. Criteria: Invitae Variant Classification Sherloc (09022015). Collection method: clinical testing. Allele origin: germline.
Comment: This sequence change creates a premature translational stop signal (p.Asp2822Ilefs*15) in the HMCN1 gene. It is expected to result in an absent or disrupted protein product. However, the current clinical and genetic evidence is not sufficient to establish whether loss-of-function variants in HMCN1 cause disease. This variant is not present in population databases (gnomAD no frequency). This variant has not been reported in the literature in individuals affected with HMCN1-related conditions. ClinVar contains an entry for this variant (Variation ID: 2867020). In summary, the available evidence is currently insufficient to determine the role of this variant in disease. Therefore, it has been classified as a Variant of Uncertain Significance.

NM_031935.3(HMCN1):c.8464_8471del (p.Asp2822fs)

Gene: HMCN1 (hemicentin 1; plus strand). Cytogenetic location: 1q31.1.
Variant type: Deletion.
Coding change: c.8464_8471del on transcript NM_031935.3 (MANE Select); coding-DNA positions 8464 to 8471, 8 bases deleted (GATAAAGT; older notation c.8464_8471delGATAAAGT).
Protein change: p.Asp2822fs; shifts the reading frame from aspartic acid 2822.
Molecular consequence: frameshift variant.
Genome position (GRCh38, 1-based): chr1:186,076,601-186,076,608, GATAAAGT deleted; deleting any 8 consecutive bases within chr1:186,076,597-186,076,608 gives the same sequence; the c. name uses the placement nearest the transcript's 3' end. VCF-style (leftmost placement, unchanged base first): chr1-186076596-CAAGTGATA-C. GRCh37 (hg19) VCF-style: chr1-186045728-CAAGTGATA-C.
Other names: short protein forms D2822fs.
Identifiers: ClinVar variation 2867020 (VCV002867020.3), dbSNP rs2527833928, ClinGen allele CA2739275483.
Genomic context (GRCh38, chr1:186,076,596, plus strand): 5'-AGACAAATGCTGCTCCCCCTCCTACACTGACATGGTACAAAGATGGCCACCCTCTGACCT[CAAGTGATA>C]AAGTATTGATTTTGCCAGGTAAAGATTGATACCAACAGGGTGAAAAGCTGACTCTCTGCC-3'